The following continues an entry in ClinVar:

NM_001173464.2(KIF21A):c.2860C>T (p.Arg954Trp)

Gene: KIF21A. ClinVar aggregate classification (germline): Pathogenic. Pathogenic (15).

Submissions 8 to 17 of 17:

GeneDx
Classification: Pathogenic. Last evaluated: 2023-01-10. Review status: criteria provided, single submitter. Criteria: GeneDx Variant Classification Process June 2021. Collection method: clinical testing. Allele origin: germline. Affected: yes.
Comment: Published functional studies demonstrate a damaging effect that results in a gain-of-function effect, with knock-in mice exhibiting a congenital fibrosis of the extraocular muscles type 1 phenotype (Kakinuma et al., 2009; Chen et al., 2014); Not observed in large population cohorts (gnomAD); Also reported as R954W using alternate nomenclature; This variant is associated with the following publications: (PMID: 18363169, 19559006, 26190014, 23799907, 21042561, 24426772, 24656932, 23336411, 27513105, 28930843, 30555664, 14595441, 32901917, 33251926)

Victorian Clinical Genetics Services, Murdoch Childrens Research Institute
Classification: Pathogenic for Congenital fibrosis of extraocular muscles type 1. Last evaluated: 2022-09-02. Review status: criteria provided, single submitter. Criteria: ACMG Guidelines, 2015. Collection method: clinical testing. Allele origin: germline. Inheritance: Autosomal dominant inheritance. Affected: yes.
Comment: Based on the classification scheme VCGS_Germline_v1.3.4, this variant is classified as Pathogenic. Following criteria are met: 0101 - Gain of function is a known mechanism of disease in this gene and is associated with fibrosis of extraocular muscles, congenital, 1 (MIM#135700) and fibrosis of extraocular muscles, congenital, 3B (MIM#135700). Mouse models have ruled out loss of function and dominant negative, and suggest that gain of function may occur through the attenuation of KIF21A autoinhibition (PMID: 24656932). (I) 0107 - This gene is associated with autosomal dominant disease. (I) 0200 - Variant is predicted to result in a missense amino acid change from arginine to tryptophan. (I) 0251 - This variant is heterozygous. (I) 0301 - Variant is absent from gnomAD (both v2 and v3). (SP) 0501 - Missense variant consistently predicted to be damaging by multiple in silico tools or highly conserved with a major amino acid change. (SP) 0602 - Variant is located in a hotspot region or cluster of pathogenic variants in the third coiled-coil motif (DECIPHER, PMID: 14595441). (SP) 0703 - Another missense variant comparable to the one identified in this case has moderate previous evidence for pathogenicity. p.(Arg954Gln) has been classified as pathogenic by a clinical laboratory in ClinVar, and observed in several individuals with congenital fibrosis of extraocular muscles in the literature (PMID: 14595441). (SP) 0801 - This variant has strong previous evidence of pathogenicity in unrelated individuals. This variant has been classified as pathogenic by multiple clinical laboratories in ClinVar, and has been observed in many individuals with congenital fibrosis of extraocular muscles in the literature (PMID: 14595441). (SP) 1208 - Inheritance information for this variant is not currently available in this individual. (I) Legend: (SP) - Supporting pathogenic, (I) - Information, (SB) - Supporting benign

Fulgent Genetics
Classification: Pathogenic for Congenital fibrosis of extraocular muscles type 1. Last evaluated: 2022-05-20. Review status: criteria provided, single submitter. Criteria: ACMG Guidelines, 2015. Collection method: clinical testing. Allele origin: unknown.

Blueprint Genetics
Classification: Pathogenic for KIF21A-related disorders. Last evaluated: 2022-04-12. Review status: criteria provided, single submitter. Criteria: ACMG Guidelines, 2015. Collection method: clinical testing. Allele origin: germline. Affected: yes. Observed: 5 variant alleles.

MGZ Medical Genetics Center
Classification: Pathogenic for Congenital fibrosis of extraocular muscles type 1. Last evaluated: 2021-11-03. Review status: criteria provided, single submitter. Criteria: ACMG Guidelines, 2015. Collection method: clinical testing. Allele origin: germline. Affected: yes. Observed: 1 variant allele.
Comment: ACMG criteria applied: PS3, PS4_MOD, PM5, PM2_SUP, PP3

Institute of Medical Genetics and Applied Genomics, University Hospital Tübingen
Classification: Pathogenic. Last evaluated: 2020-10-23. Review status: criteria provided, single submitter. Criteria: ACMG Guidelines, 2015. Collection method: clinical testing. Allele origin: germline. Inheritance: Unknown mechanism. Affected: yes.

Illumina Laboratory Services, Illumina
Classification: Pathogenic for Congenital fibrosis of extraocular muscles type 1. Last evaluated: 2019-12-04. Review status: criteria provided, single submitter. Criteria: ICSLVariantClassificationCriteria RUGD 01 April 2020. Collection method: clinical testing. Allele origin: unknown.
Comment: The KIF21A c.2860C>T (p.Arg954Trp) missense variant has been reported in at least two studies in which it was identified in a heterozygous state in 36 out of 49 unrelated individuals affected with congenital fibrosis of the extraocular muscles (CFEOM), including both familial and sporadic cases. In eleven of these individuals, the variant was found in a de novo state (Yamada et al. 2003; Tiab et al. 2004). The variant showed co-segregation with disease in at least fifteen families (Yamada et al. 2003; Tiab et al. 2004). The p.Arg954Trp variant was absent from 410 control alleles from individuals from different ethnicities and is not found in the Genome Aggregation Database in a region of good coverage so is presumed to be rare. Based on the absence from public frequency databases, occurrence de novo, and application of ACMG criteria, the p.Arg954Trp variant is classified as pathogenic for congenital fibrosis of the extraocular muscles.

Juno Genomics, Hangzhou Juno Genomics, Inc
Classification: Pathogenic for Congenital fibrosis of extraocular muscles type 1. Review status: criteria provided, single submitter. Criteria: ACMG Guidelines, 2015. Collection method: clinical testing. Allele origin: germline. Affected: yes.
Comment: Absent from controls (or at extremely low frequency if recessive) in Genome Aggregation Database, Exome Sequencing Project, 1000 Genomes Project, or Exome Aggregation Consortium.;The prevalence of the variant in affected individuals is significantly increased compared to the prevalence in controls.;Assumed de novo, but without confirmation of paternity and maternity.;Co-segregation with disease in multiple affected family members in a gene definitively known to cause the disease.;Located in a mutational hot spot and/or critical and well-established functional domain (e.g. active site of an enzyme) without benign variation.;Well-established in vitro or in vivo functional studies supportive of a damaging effect on the gene or gene product.;Multiple lines of computational evidence support a deleterious effect on the gene or gene product (conservation, evolutionary, splicing impact, etc).;Patient's phenotype or family history is highly specific for a disease with a single genetic etiology.

OMIM
Classification: Pathogenic for CONGENITAL FIBROSIS OF EXTRAOCULAR MUSCLES 1. Last evaluated: 2009-07-01. Review status: no assertion criteria provided. Collection method: literature only. Allele origin: germline. Not counted in ClinVar's aggregate classification.

OMIM
Classification: Pathogenic for CONGENITAL FIBROSIS OF EXTRAOCULAR MUSCLES 3B. Last evaluated: 2009-07-01. Review status: no assertion criteria provided. Collection method: literature only. Allele origin: germline. Not counted in ClinVar's aggregate classification.

Literature cited by the submitters: PubMed 14595441 (cited by 4 submitters); PubMed 17511870 (cited by Ambry Genetics); PubMed 33251926 (cited by Ambry Genetics); PubMed 36138147 (cited by Ambry Genetics); PubMed 39033378 (cited by Broad Center for Mendelian Genomics, Broad Institute of MIT and Harvard); PubMed 24656932 (cited by Victorian Clinical Genetics Services, Murdoch Childrens Research Institute); PubMed 15621876 (cited by Illumina Laboratory Services, Illumina and OMIM); PubMed 15621877 (cited by OMIM); PubMed 15827546 (cited by OMIM); PubMed 19551685 (cited by OMIM).